The following is an entry in ClinVar:

NM_004836.7(EIF2AK3):c.2045G>A (p.Trp682Ter)

Genes: EIF2AK3 (eukaryotic translation initiation factor 2 alpha kinase 3; minus strand), EIF2AK3-AS1 (EIF2AK3 antisense RNA 1; plus strand). Cytogenetic location: 2p11.2.
Variant type: single nucleotide variant.
Coding change: c.2045G>A on transcript NM_004836.7 (MANE Select); coding-DNA position 2045, G replaced by A.
Protein change: p.Trp682Ter; replaces tryptophan 682 with a stop codon.
Molecular consequence: nonsense. On other transcripts: non-coding transcript variant (1).
Genome position (GRCh38, 1-based): chr2:88,575,438, C>T on the plus strand (G>A on the coding strand, the complement: EIF2AK3 is on the minus strand). VCF-style: chr2-88575438-C-T. GRCh37 (hg19) VCF-style: chr2-88874956-C-T.
Other names: c.1592G>A, p.Trp531Ter (NM_001313915.2); short protein forms W531*, W682*.
Identifiers: ClinVar variation 1332707 (VCV001332707.6), dbSNP rs2104412272, ClinGen allele CA347593032.

ClinVar aggregate classification (germline): Pathogenic/Likely pathogenic. Review status: criteria provided, multiple submitters, no conflicts (2 of 4 stars). 2 submissions from 2 submitters: Pathogenic (1); Likely pathogenic (1). Last evaluated 2020-03-06.

Conditions:
Menkes kinky-hair syndrome (MNK). Also called: Copper transport disease; Classic Menkes Disease; Menkes Disease. Identifiers: Orphanet 565, MedGen C0022716, MONDO:0010651, OMIM 309400.

Allele frequency attached by ClinVar (database versions not stated): gnomAD exomes below 0.00001.
gnomAD v4.1: 1 of 1,606,862 alleles (0.000062%); highest among the groups gnomAD compares: Non-Finnish European, 0.000085%; no homozygotes.

Submissions (2):

Genetic Services Laboratory, University of Chicago
Classification: Likely pathogenic. Last evaluated: 2020-03-06. Review status: criteria provided, single submitter. Criteria: ACMG Guidelines, 2015. Collection method: clinical testing. Allele origin: germline. Affected: yes.
Comment: DNA sequence analysis of the EIF2AK3 gene demonstrated a sequence change, c.2045G>A, in the homozygous state, which results in the creation of a premature stop codon at amino acid position 682, p.Trp682*. This sequence change is predicted to result in an abnormal transcript, which may be degraded, or may lead to the production of a truncated EIF2AK3 protein with potentially abnormal function. This particular sequence change is absent from the large population databases (ExAC and gnomAD). This sequence change has previously not been described in patients with Wolcott-Rallison syndrome; however other truncating variants in this gene, including some downstream to this position, have been reported in the literature (PMIDs: 19837917, 28843469). This collective evidence indicates that this sequence change is likely pathogenic.

Kasturba Medical College, Manipal, Kasturba Medical College, Manipal, Manipal Academy of Higher Education, Manipal, India
Classification: Pathogenic for Menkes kinky-hair syndrome. Review status: criteria provided, single submitter. Criteria: ACMG Guidelines, 2015. Collection method: clinical testing. Allele origin: inherited. Affected: yes.